The following is an entry in ClinVar:

NM_000083.3(CLCN1):c.209C>A (p.Ser70Ter)

Gene: CLCN1 (chloride voltage-gated channel 1; plus strand). Cytogenetic location: 7q34.
Variant type: single nucleotide variant.
Coding change: c.209C>A on transcript NM_000083.3 (MANE Select); coding-DNA position 209, C replaced by A.
Protein change: p.Ser70Ter; replaces serine 70 with a stop codon.
Molecular consequence: nonsense. On other transcripts: non-coding transcript variant (1).
Genome position (GRCh38, 1-based): chr7:143,319,783, C>A. VCF-style: chr7-143319783-C-A. GRCh37 (hg19) VCF-style: chr7-143016876-C-A.
Other names: short protein forms S70*.
Identifiers: ClinVar variation 2115722 (VCV002115722.4), dbSNP rs769312894, ClinGen allele CA369679065.

ClinVar aggregate classification (germline): Pathogenic (1 of 4 stars; one submission).

Conditions:
Congenital myotonia, autosomal recessive form. Also called: BECKER DISEASE; Becker Generalized Myotonia; myotonia congenita, autosomal recessive. Identifiers: Orphanet 614, MedGen C0751360, MONDO:0009715, OMIM 255700.
Congenital myotonia, autosomal dominant form (THD). Also called: THOMSEN DISEASE; Myotonia congenita autosomal dominant. Identifiers: Orphanet 614, MedGen C2936781, MONDO:0008055, OMIM 160800.

gnomAD v4.1: 1 of 1,613,810 alleles (0.000062%); highest among the groups gnomAD compares: Non-Finnish European, 0.000085%; no homozygotes.

Submission:

Labcorp Genetics (formerly Invitae), Labcorp
Classification: Pathogenic for Congenital myotonia, autosomal recessive form; Congenital myotonia, autosomal dominant form. Last evaluated: 2022-04-11. Review status: criteria provided, single submitter. Criteria: Invitae Variant Classification Sherloc (09022015). Collection method: clinical testing. Allele origin: germline.
Comment: For these reasons, this variant has been classified as Pathogenic. This variant has not been reported in the literature in individuals affected with CLCN1-related conditions. This variant is not present in population databases (gnomAD no frequency). This sequence change creates a premature translational stop signal (p.Ser70*) in the CLCN1 gene. It is expected to result in an absent or disrupted protein product. Loss-of-function variants in CLCN1 are known to be pathogenic (PMID: 17932099, 22094069, 23739125).

Literature cited by the submitters: PubMed 17932099; PubMed 22094069; PubMed 23739125.